The following is an entry in ClinVar:

NM_001142800.2(EYS):c.1985G>T (p.Arg662Met)

Gene: EYS (EGF-like photoreceptor maintenance factor; minus strand). Cytogenetic location: 6q12.
Variant type: single nucleotide variant.
Coding change: c.1985G>T on transcript NM_001142800.2 (MANE Select); coding-DNA position 1985, G replaced by T.
Protein change: p.Arg662Met; replaces arginine 662 with methionine.
Molecular consequence: missense variant.
Genome position (GRCh38, 1-based): chr6:65,295,901, C>A on the plus strand (G>T on the coding strand, the complement: EYS is on the minus strand). VCF-style: chr6-65295901-C-A. GRCh37 (hg19) VCF-style: chr6-66005794-C-A.
Other names: c.1985G>T, p.Arg662Met (NM_001292009.2); short protein forms R662M.
Identifiers: ClinVar variation 194031 (VCV000194031.20), dbSNP rs144430026, ClinGen allele CA200923.

ClinVar aggregate classification (germline): Benign/Likely benign. Review status: criteria provided, multiple submitters, no conflicts (2 of 4 stars). 5 submissions from 5 submitters: Benign (3); Likely benign (1). 1 of the submissions does not count toward it. Last evaluated 2026-02-02.

Conditions:
Retinal dystrophy. Also called: Inherited retinal dystrophy. Identifiers: Orphanet 71862, MedGen C0854723, MeSH D058499, MONDO:0019118, HP:0000556.
Retinitis pigmentosa (RP). Identifiers: Orphanet 791, MedGen C0035334, MeSH D012174, MONDO:0019200, OMIM 268000. Inheritance: Autosomal dominant, autosomal recessive and X linked inheritance.
Retinitis pigmentosa 25 (RP25). Identifiers: Orphanet 791, MedGen C1864446, MONDO:0011272, OMIM 602772.

Allele frequency attached by ClinVar (database versions not stated): gnomAD exomes 0.00122 and 0.00328; gnomAD 0.00193 and 0.00242; 1000 Genomes Project 30x 0.01031; 1000 Genomes Project 0.01078; ExAC 0.00202; TOPMed 0.00230.
gnomAD v4.1: 2,330 of 1,550,700 alleles (0.15%); highest among the groups gnomAD compares: East Asian, 4.4%; 53 homozygotes.

Submissions (5):

Labcorp Genetics (formerly Invitae), Labcorp
Classification: Benign. Last evaluated: 2026-02-02. Review status: criteria provided, single submitter. Criteria: Invitae Variant Classification Sherloc (09022015). Collection method: clinical testing. Allele origin: germline.

Dept Of Ophthalmology, Nagoya University
Classification: Benign for Retinal dystrophy. Last evaluated: 2023-10-01. Review status: criteria provided, single submitter. Criteria: Submitter's publication. Collection method: research. Allele origin: germline. Affected: yes.

Illumina Laboratory Services, Illumina
Classification: Likely benign for Retinitis pigmentosa. Last evaluated: 2018-01-13. Review status: criteria provided, single submitter. Criteria: ICSL Variant Classification Criteria 13 December 2019. Collection method: clinical testing. Allele origin: germline.
Comment: This variant was observed in the ICSL laboratory as part of a predisposition screen in an ostensibly healthy population. It had not been previously curated by ICSL or reported in the Human Gene Mutation Database (HGMD: prior to June 1st, 2018), and was therefore a candidate for classification through an automated scoring system. Utilizing variant allele frequency, disease prevalence and penetrance estimates, and inheritance mode, an automated score was calculated to assess if this variant is too frequent to cause the disease. Based on the score and internal cut-off values, a variant classified as likely benign is not then subjected to further curation. The score for this variant resulted in a classification of likely benign for this disease.

Eurofins Ntd Llc (ga)
Classification: Benign. Last evaluated: 2014-06-10. Review status: criteria provided, single submitter. Criteria: EGL Classification Definitions 2015. Collection method: clinical testing. Allele origin: germline. Observed: 1 variant allele, 1 heterozygote.

Natera, Inc.
Classification: Likely benign for Retinitis pigmentosa type 25. Last evaluated: 2019-12-10. Review status: no assertion criteria provided. Collection method: clinical testing. Allele origin: germline. Not counted in ClinVar's aggregate classification.